The following is an entry in ClinVar:

ClinVar aggregate classification (germline): Uncertain significance (1 of 4 stars; one submission).

Submission:

Labcorp Genetics (formerly Invitae), Labcorp
Classification: Uncertain significance. Last evaluated: 2020-07-08. Review status: criteria provided, single submitter. Criteria: Invitae Variant Classification Sherloc (09022015). Collection method: clinical testing. Allele origin: germline.
Comment: This variant is not present in population databases (ExAC no frequency). In summary, the available evidence is currently insufficient to determine the role of this variant in disease. Therefore, it has been classified as a Variant of Uncertain Significance. The current clinical and genetic evidence is not sufficient to establish whether loss-of-function variants in ZNF408 cause disease. This variant has not been reported in the literature in individuals with ZNF408-related conditions. This sequence change creates a premature translational stop signal (p.Lys98*) in the ZNF408 gene. It is expected to result in an absent or disrupted protein product.

NM_024741.3(ZNF408):c.292A>T (p.Lys98Ter)

Gene: ZNF408 (zinc finger protein 408; plus strand). Cytogenetic location: 11p11.2.
Variant type: single nucleotide variant.
Coding change: c.292A>T on transcript NM_024741.3 (MANE Select); coding-DNA position 292, A replaced by T.
Protein change: p.Lys98Ter; replaces lysine 98 with a stop codon.
Molecular consequence: nonsense.
Genome position (GRCh38, 1-based): chr11:46,701,638, A>T. VCF-style: chr11-46701638-A-T. GRCh37 (hg19) VCF-style: chr11-46723188-A-T.
Other names: c.268A>T, p.Lys90Ter (NM_001184751.2); short protein forms K90*, K98*.
Identifiers: ClinVar variation 999324 (VCV000999324.6), dbSNP rs1592397618, ClinGen allele CA380251912.